The following is an entry in ClinVar:

ClinVar aggregate classification (germline): Conflicting classifications of pathogenicity. Review status: criteria provided, conflicting classifications (1 of 4 stars). 3 submissions from 3 submitters: Uncertain significance (1); Benign (1); Likely benign (1). Last evaluated 2019-04-03.

Conditions:
Maturity-onset diabetes of the young (MODY). Also called: Maturity onset diabetes mellitus in young. Identifiers: Orphanet 552, MedGen C0342276, MONDO:0018911, HP:0004904.

Allele frequency attached by ClinVar (database versions not stated): gnomAD exomes 0.00045; gnomAD 0.00506 and 0.00528; TOPMed 0.00549; 1000 Genomes Project 0.00679; 1000 Genomes Project 30x 0.00703.

Submissions (3):

Genetic Services Laboratory, University of Chicago
Classification: Benign. Last evaluated: 2019-04-03. Review status: criteria provided, single submitter. Criteria: ACMG Guidelines, 2015. Collection method: clinical testing. Allele origin: germline. Affected: no.

GeneDx
Classification: Likely benign. Last evaluated: 2018-08-15. Review status: criteria provided, single submitter. Criteria: GeneDx Variant Classification Process June 2021. Collection method: clinical testing. Allele origin: germline. Affected: yes.

Clinical Genomics, Uppaluri K&H Personalized Medicine Clinic
Classification: Uncertain significance for Maturity-onset diabetes of the young. Review status: criteria provided, single submitter. Criteria: K & H Uppaluri Personalized Medicine Clinic Variant Classification & Assertion Criteria_Updated V.1. Collection method: research. Allele origin: unknown. Inheritance: Autosomal dominant inheritance.
Comment: HNF1B gene mutations are associated with early onset diabetes and pancreatic atrophy. It is also associated with multiple renal manifestations including renal cysts, Tubulointerstitial disease, glomerulocystic disease, renal hypoplasia, hypomagnesemia.However no sufficient evidence is found to ascertain the role of this particular variant rs148442901, yet.

Literature cited by the submitters: PubMed 24897035 (cited by Clinical Genomics, Uppaluri K&H Personalized Medicine Clinic); PubMed 25536396 (cited by Clinical Genomics, Uppaluri K&H Personalized Medicine Clinic); PubMed 27615128 (cited by Clinical Genomics, Uppaluri K&H Personalized Medicine Clinic); PubMed 28215227 (cited by Clinical Genomics, Uppaluri K&H Personalized Medicine Clinic); PubMed 33434175 (cited by Clinical Genomics, Uppaluri K&H Personalized Medicine Clinic); PubMed 25741167 (cited by Clinical Genomics, Uppaluri K&H Personalized Medicine Clinic); PubMed 26340261 (cited by Clinical Genomics, Uppaluri K&H Personalized Medicine Clinic); PubMed 19639018 (cited by Clinical Genomics, Uppaluri K&H Personalized Medicine Clinic).

NM_000458.3(HNF1B):c.-178G>A

Gene: HNF1B (HNF1 homeobox B; minus strand). Cytogenetic location: 17q12.
Variant type: single nucleotide variant.
Coding change: c.-178G>A on transcript NM_000458.3; 178 bases upstream of the start codon, G replaced by A.
Genome position (GRCh38, 1-based): chr17:37,745,062, C>T on the plus strand (G>A on the coding strand, the complement: HNF1B is on the minus strand). VCF-style: chr17-37745062-C-T. GRCh37 (hg19) VCF-style: chr17-36105053-C-T.
Identifiers: ClinVar variation 322953 (VCV000322953.12), dbSNP rs148442901, ClinGen allele CA10645514.